The following is an entry in ClinVar:

NM_005751.5(AKAP9):c.2491G>A (p.Asp831Asn)

Gene: AKAP9 (A-kinase anchoring protein 9; plus strand). Cytogenetic location: 7q21.2.
Variant type: single nucleotide variant.
Coding change: c.2491G>A on transcript NM_005751.5 (MANE Select); coding-DNA position 2491, G replaced by A.
Protein change: p.Asp831Asn; replaces aspartic acid 831 with asparagine.
Molecular consequence: missense variant.
Genome position (GRCh38, 1-based): chr7:92,002,408, G>A. VCF-style: chr7-92002408-G-A. GRCh37 (hg19) VCF-style: chr7-91631722-G-A.
Other names: c.2491G>A, p.Asp831Asn (NM_147185.3); short protein forms D831N.
Identifiers: ClinVar variation 3282240 (VCV003282240.1).

ClinVar aggregate classification (germline): Uncertain significance (1 of 4 stars; one submission).

Conditions:
Cardiovascular phenotype. Identifiers: MedGen CN230736.

gnomAD v4.1: 3 of 1,609,688 alleles (0.00019%); highest among the groups gnomAD compares: East Asian, 0.0045%; no homozygotes.

Submission:

Ambry Genetics
Classification: Uncertain significance for Cardiovascular phenotype. Last evaluated: 2024-06-22. Review status: criteria provided, single submitter. Criteria: Ambry Variant Classification Scheme 2023. Collection method: clinical testing. Allele origin: germline.
Comment: The p.D831N variant (also known as c.2491G>A), located in coding exon 8 of the AKAP9 gene, results from a G to A substitution at nucleotide position 2491. The aspartic acid at codon 831 is replaced by asparagine, an amino acid with highly similar properties. This amino acid position is conserved. In addition, this alteration is predicted to be tolerated by in silico analysis. Based on the available evidence, the clinical significance of this variant remains unclear.